The following is an entry in ClinVar:

ClinVar aggregate classification (germline): Uncertain significance. Review status: criteria provided, multiple submitters, no conflicts (2 of 4 stars). 2 submissions from 2 submitters: Uncertain significance (2). Last evaluated 2025-02-27.

Conditions:
Cardiomyopathy (CMYO). Also called: Cardiomyopathies. Identifiers: Orphanet 167848, MedGen C0878544, MONDO:0004994, HP:0001638. Inheritance: Various modes of inheritance.
Arrhythmogenic right ventricular dysplasia 11. Also called: ARRHYTHMOGENIC RIGHT VENTRICULAR DYSPLASIA, FAMILIAL, 11; Arrhythmogenic Right Ventricular Dysplasia/Cardiomyopathy11; Arrhythmogenic right ventricular dysplasia 11 with mild palmoplantar keratoderma and woolly hair. Identifiers: MedGen C1864850, MONDO:0012506, OMIM 610476.

Allele frequency attached by ClinVar (database versions not stated): gnomAD exomes below 0.00001.
gnomAD v4.1: 2 of 1,614,000 alleles (0.00012%); highest among the groups gnomAD compares: Non-Finnish European, 0.00017%; no homozygotes.

Submissions (2):

Labcorp Genetics (formerly Invitae), Labcorp
Classification: Uncertain significance for Arrhythmogenic right ventricular dysplasia 11. Last evaluated: 2025-02-27. Review status: criteria provided, single submitter. Criteria: Invitae Variant Classification Sherloc (09022015). Collection method: clinical testing. Allele origin: germline.
Comment: This sequence change replaces phenylalanine, which is neutral and non-polar, with leucine, which is neutral and non-polar, at codon 530 of the DSC2 protein (p.Phe530Leu). This variant is not present in population databases (gnomAD no frequency). This variant has not been reported in the literature in individuals affected with DSC2-related conditions. ClinVar contains an entry for this variant (Variation ID: 918303). Invitae Evidence Modeling of protein sequence and biophysical properties (such as structural, functional, and spatial information, amino acid conservation, physicochemical variation, residue mobility, and thermodynamic stability) indicates that this missense variant is not expected to disrupt DSC2 protein function with a negative predictive value of 80%. In summary, the available evidence is currently insufficient to determine the role of this variant in disease. Therefore, it has been classified as a Variant of Uncertain Significance.

Color Diagnostics, LLC DBA Color Health
Classification: Uncertain significance for Cardiomyopathy. Last evaluated: 2024-03-06. Review status: criteria provided, single submitter. Criteria: ACMG Guidelines, 2015. Collection method: clinical testing. Allele origin: germline.
Comment: This missense variant replaces phenylalanine with leucine at codon 530 of the DSC2 protein. Computational prediction suggests that this variant may not impact protein structure and function (internally defined REVEL score threshold <= 0.5, PMID: 27666373). To our knowledge, functional studies have not been reported for this variant. This variant has not been reported in individuals affected with cardiovascular disorders in the literature. This variant has not been identified in the general population by the Genome Aggregation Database (gnomAD). The available evidence is insufficient to determine the role of this variant in disease conclusively. Therefore, this variant is classified as a Variant of Uncertain Significance.

NM_024422.6(DSC2):c.1588T>C (p.Phe530Leu)

Gene: DSC2 (desmocollin 2; minus strand). Cytogenetic location: 18q12.1.
Variant type: single nucleotide variant.
Coding change: c.1588T>C on transcript NM_024422.6 (MANE Select); coding-DNA position 1588, T replaced by C.
Protein change: p.Phe530Leu; replaces phenylalanine 530 with leucine.
Molecular consequence: missense variant.
Genome position (GRCh38, 1-based): chr18:31,079,922, A>G on the plus strand (T>C on the coding strand, the complement: DSC2 is on the minus strand). VCF-style: chr18-31079922-A-G. GRCh37 (hg19) VCF-style: chr18-28659888-A-G.
Other names: c.1588T>C, p.Phe530Leu (NM_004949.5); short protein forms F530L.
Identifiers: ClinVar variation 918303 (VCV000918303.6), dbSNP rs939273596, ClinGen allele CA297636921.